The following is an entry in ClinVar:

NM_012268.4(PLD3):c.881G>C (p.Ser294Thr)

Gene: PLD3 (phospholipase D family member 3; plus strand). Cytogenetic location: 19q13.2.
Variant type: single nucleotide variant.
Coding change: c.881G>C on transcript NM_012268.4 (MANE Select); coding-DNA position 881, G replaced by C.
Protein change: p.Ser294Thr; replaces serine 294 with threonine.
Molecular consequence: missense variant.
Genome position (GRCh38, 1-based): chr19:40,374,482, G>C. VCF-style: chr19-40374482-G-C. GRCh37 (hg19) VCF-style: chr19-40880389-G-C.
Other names: c.881G>C, p.Ser294Thr (NM_001291311.2, NM_001031696.4); short protein forms S294T.
Identifiers: ClinVar variation 2878316 (VCV002878316.3), dbSNP rs1278064727, ClinGen allele CA405873489.
Genomic context (GRCh38, chr19:40,374,482, plus strand): 5'-GGTCCGTTGTGACGATGACCCTGGCAGGGCACATGTCTTAACTGTCCCCTCGCCCTCAGA[G>C]TGCGCCCCCACCCCTGTGTCCAAGTGGCCGCACTCCAGACCTGAAGGCTCTACTCAACGT-3'
Protein context (NP_036400.2, residues 284-304): NGTPALAYLA[Ser294Thr]APPPLCPSGR

ClinVar aggregate classification (germline): Uncertain significance (1 of 4 stars; one submission).

gnomAD v4.1: 12 of 1,613,968 alleles (0.00074%); highest among the groups gnomAD compares: Non-Finnish European, 0.001%; no homozygotes.

Submission:

Labcorp Genetics (formerly Invitae), Labcorp
Classification: Uncertain significance. Last evaluated: 2025-12-02. Review status: criteria provided, single submitter. Criteria: Invitae Variant Classification Sherloc (09022015). Collection method: clinical testing. Allele origin: germline.
Comment: This sequence change replaces serine, which is neutral and polar, with threonine, which is neutral and polar, at codon 294 of the PLD3 protein (p.Ser294Thr). This variant is present in population databases (no rsID available, gnomAD 0.0009%). This variant has not been reported in the literature in individuals affected with PLD3-related conditions. ClinVar contains an entry for this variant (Variation ID: 2878316). An algorithm developed to predict the effect of missense changes on protein structure and function (PolyPhen-2) suggests that this variant is likely to be disruptive. In summary, the available evidence is currently insufficient to determine the role of this variant in disease. Therefore, it has been classified as a Variant of Uncertain Significance.